The following is an entry in ClinVar:

ClinVar aggregate classification (germline): Uncertain significance. Review status: criteria provided, multiple submitters, no conflicts (2 of 4 stars). 2 submissions from 2 submitters: Uncertain significance (2). Last evaluated 2024-01-15.

Conditions:
Developmental and epileptic encephalopathy. Identifiers: MedGen C5779964, MONDO:0100620.

Allele frequency attached by ClinVar (database versions not stated): gnomAD 0.00004 and 0.00005; TOPMed 0.00006; ESP Exome Variant Server 0.00015.
gnomAD v4.1: 110 of 1,611,704 alleles (0.0068%); highest among the groups gnomAD compares: Middle Eastern, 0.033%; no homozygotes.

Submissions (2):

Blueprint Genetics
Classification: Uncertain significance. Last evaluated: 2024-01-15. Review status: criteria provided, single submitter. Criteria: ACMG Guidelines, 2015. Collection method: clinical testing. Allele origin: germline.

Labcorp Genetics (formerly Invitae), Labcorp
Classification: Uncertain significance for Early-infantile DEE. Last evaluated: 2022-07-25. Review status: criteria provided, single submitter. Criteria: Invitae Variant Classification Sherloc (09022015). Collection method: clinical testing. Allele origin: germline.
Comment: This sequence change replaces alanine, which is neutral and non-polar, with threonine, which is neutral and polar, at codon 753 of the CACNA2D2 protein (p.Ala753Thr). This variant is present in population databases (rs148442391, gnomAD 0.01%). This variant has not been reported in the literature in individuals affected with CACNA2D2-related conditions. ClinVar contains an entry for this variant (Variation ID: 571478). Algorithms developed to predict the effect of missense changes on protein structure and function are either unavailable or do not agree on the potential impact of this missense change (SIFT: "Deleterious"; PolyPhen-2: "Possibly Damaging"; Align-GVGD: "Class C0"). In summary, the available evidence is currently insufficient to determine the role of this variant in disease. Therefore, it has been classified as a Variant of Uncertain Significance.

NM_006030.4(CACNA2D2):c.2257G>A (p.Ala753Thr)

Genes: CACNA2D2 (calcium voltage-gated channel auxiliary subunit alpha2delta 2; minus strand), LOC101928965 (uncharacterized LOC101928965; plus strand), LOC127898564 (CYB561D2-LOC101928965; plus strand). Cytogenetic location: 3p21.31.
Variant type: single nucleotide variant.
Coding change: c.2257G>A on transcript NM_006030.4 (MANE Select); coding-DNA position 2257, G replaced by A.
Protein change: p.Ala753Thr; replaces alanine 753 with threonine.
Molecular consequence: missense variant.
Genome position (GRCh38, 1-based): chr3:50,367,682, C>T on the plus strand (G>A on the coding strand, the complement: CACNA2D2 is on the minus strand). VCF-style: chr3-50367682-C-T. GRCh37 (hg19) VCF-style: chr3-50405113-C-T.
Other names: c.2257G>A, p.Ala753Thr (NM_001005505.3); c.2278G>A, p.Ala760Thr (NM_001174051.3); c.2050G>A, p.Ala684Thr (NM_001291101.1); short protein forms A760T, A753T, A684T.
Identifiers: ClinVar variation 571478 (VCV000571478.5), dbSNP rs148442391, ClinGen allele CA2418541.
Genomic context (GRCh38, chr3:50,367,682, plus strand): 5'-TAGTGGGATAGGTCACTTACTTGTTGGGGAAGACTCGGGTGATGCCACCGTCTGTGGCAG[C>T]GAACACGGCCAGTAGGCTGTACCTGGGGGTAGCAGGGGGGTGGGGTCACAGGCCTGCCTT-3'
Protein context (NP_006021.2, residues 743-763): LNTYSLLAVF[Ala753Thr]ATDGGITRVF